The following is an entry in ClinVar:

ClinVar aggregate classification (germline): Pathogenic. Review status: criteria provided, multiple submitters, no conflicts (2 of 4 stars). 3 submissions from 3 submitters: Pathogenic (2). 1 of the submissions does not count toward it. Last evaluated 2024-06-27.

Conditions:
Familial melanoma. Also called: Hereditary cutaneous melanoma; Hereditary melanoma. Identifiers: Orphanet 618, MedGen C1512419, MONDO:0018961.
Hereditary cancer-predisposing syndrome. Also called: Hereditary Cancer Syndrome; Neoplastic Syndromes, Hereditary; Hereditary neoplastic syndrome; Tumor predisposition. Identifiers: Orphanet 140162, MedGen C0027672, MeSH D009386, MONDO:0015356.
Melanoma, cutaneous malignant, susceptibility to, 3. Also called: Cutaneous malignant melanoma 3. Identifiers: Orphanet 618, MedGen C1836892, MONDO:0012183, OMIM 609048.

Submissions (3):

Ambry Genetics
Classification: Pathogenic for Hereditary cancer-predisposing syndrome. Last evaluated: 2024-06-27. Review status: criteria provided, single submitter. Criteria: Ambry Variant Classification Scheme 2023. Collection method: clinical testing. Allele origin: germline.
Comment: The p.R24H pathogenic mutation (also known as c.71G>A), located in coding exon 1 of the CDK4 gene, results from a G to A substitution at nucleotide position 71. The arginine at codon 24 is replaced by histidine, an amino acid with highly similar properties. This alteration has been reported in multiple unrelated individuals with personal and/or family history consistent with familial melanoma, and has been shown to segregate with disease in multiple large Norwegian, French, and Australian kindreds (Soufir N et al. Hum. Mol. Genet., 1998 Feb;7:209-16; Molven A et al. Genes Chromosomes Cancer, 2005 Sep;44:10-8; Nikolaou V et al. Br. J. Dermatol., 2011 Dec;165:1219-22; Puntervoll HE et al. J. Med. Genet., 2013 Apr;50:264-70; Veinalde R et al. Melanoma Res., 2013 Jun;23:221-6; Karagianni F et al. Acta Derm. Venereol., 2018 Oct;98:862-866). Further, functional analyses of an alteration at the same codon, p.R24C, have shown reduced p16INK4A inhibition of CDK4 kinase activity and cell cycle progression (Bartkova J et al. Cancer Res., 1996 Dec;56:5475-83; Coleman KG et al. J. Biol. Chem., 1997 Jul;272:18869-74). This amino acid position is highly conserved in available vertebrate species. This variant is considered to be rare based on population cohorts in the Genome Aggregation Database (gnomAD). Based on the supporting evidence, this alteration is interpreted as a disease-causing mutation.

Labcorp Genetics (formerly Invitae), Labcorp
Classification: Pathogenic for Familial melanoma. Last evaluated: 2024-03-07. Review status: criteria provided, single submitter. Criteria: Invitae Variant Classification Sherloc (09022015). Collection method: clinical testing. Allele origin: germline.
Comment: This sequence change replaces arginine, which is basic and polar, with histidine, which is basic and polar, at codon 24 of the CDK4 protein (p.Arg24His). This variant is not present in population databases (gnomAD no frequency). This missense change has been observed in individual(s) with cutaneous melanoma (PMID: 9425228, 15880589, 23384855, 23546221). It has also been observed to segregate with disease in related individuals. ClinVar contains an entry for this variant (Variation ID: 16929). An algorithm developed to predict the effect of missense changes on protein structure and function (PolyPhen-2) suggests that this variant is likely to be disruptive. This variant disrupts the p.Arg24 amino acid residue in CDK4. Other variant(s) that disrupt this residue have been determined to be pathogenic (PMID: 7652577, 8528263, 11756559, 23384855). This suggests that this residue is clinically significant, and that variants that disrupt this residue are likely to be disease-causing. For these reasons, this variant has been classified as Pathogenic.

OMIM
Classification: risk factor for MELANOMA, CUTANEOUS MALIGNANT, SUSCEPTIBILITY TO, 3. Last evaluated: 2005-09-01. Review status: no assertion criteria provided. Collection method: literature only. Allele origin: germline. Not counted in ClinVar's aggregate classification.

Literature cited by the submitters: PubMed 15880589 (cited by 3 submitters); PubMed 21801156 (cited by Ambry Genetics); PubMed 23384855 (cited by Ambry Genetics and Labcorp Genetics (formerly Invitae), Labcorp); PubMed 23546221 (cited by Ambry Genetics and Labcorp Genetics (formerly Invitae), Labcorp); PubMed 24256466 (cited by Ambry Genetics); PubMed 25157968 (cited by Ambry Genetics); PubMed 26619011 (cited by Ambry Genetics); PubMed 29774366 (cited by Ambry Genetics); PubMed 8968104 (cited by Ambry Genetics); PubMed 9228064 (cited by Ambry Genetics); PubMed 9425228 (cited by 3 submitters); PubMed 7652577 (cited by Labcorp Genetics (formerly Invitae), Labcorp); PubMed 8528263 (cited by Labcorp Genetics (formerly Invitae), Labcorp); PubMed 11756559 (cited by Labcorp Genetics (formerly Invitae), Labcorp); PubMed 5377176 (cited by OMIM).

NM_000075.4(CDK4):c.71G>A (p.Arg24His)

Gene: CDK4 (cyclin dependent kinase 4; minus strand). Cytogenetic location: 12q14.1.
Variant type: single nucleotide variant.
Coding change: c.71G>A on transcript NM_000075.4 (MANE Select); coding-DNA position 71, G replaced by A.
Protein change: p.Arg24His; replaces arginine 24 with histidine.
Molecular consequence: missense variant.
Genome position (GRCh38, 1-based): chr12:57,751,647, C>T on the plus strand (G>A on the coding strand, the complement: CDK4 is on the minus strand). VCF-style: chr12-57751647-C-T. GRCh37 (hg19) VCF-style: chr12-58145430-C-T.
Other names: short protein forms R24H.
Identifiers: ClinVar variation 16929 (VCV000016929.13), dbSNP rs104894340, ClinGen allele CA126984.